The following is an entry in ClinVar:

ClinVar aggregate classification (germline): Benign. Review status: criteria provided, multiple submitters, no conflicts (2 of 4 stars). 2 submissions from 2 submitters: Benign (2). Last evaluated 2019-01-10.

Allele frequency attached by ClinVar (database versions not stated): gnomAD exomes 0.02525 and 0.03334; ExAC 0.03517; gnomAD 0.05972 and 0.06201; TOPMed 0.06211; ESP Exome Variant Server 0.06582; 1000 Genomes Project 0.06689; 1000 Genomes Project 30x 0.06871.
gnomAD v4.1: 46,183 of 1,612,204 alleles (2.9%); highest among the groups gnomAD compares: African/African-American, 15%; 1,420 homozygotes.

Submissions (2):

GeneDx
Classification: Benign. Last evaluated: 2019-01-10. Review status: criteria provided, single submitter. Criteria: GeneDx Variant Classification Process June 2021. Collection method: clinical testing. Allele origin: germline. Affected: yes.
Comment: This variant is associated with the following publications: (PMID: 29248581)

Breakthrough Genomics
Classification: Benign. Review status: criteria provided, single submitter. Criteria: ACMG Guidelines, 2015. Collection method: not provided. Allele origin: germline. Inheritance: Unknown mechanism. Affected: yes.

NM_017551.3(GRID1):c.1288A>G (p.Met430Val)

Gene: GRID1 (glutamate ionotropic receptor delta type subunit 1; minus strand). Cytogenetic location: 10q23.1.
Variant type: single nucleotide variant.
Coding change: c.1288A>G on transcript NM_017551.3 (MANE Select); coding-DNA position 1288, A replaced by G.
Protein change: p.Met430Val; replaces methionine 430 with valine.
Molecular consequence: missense variant.
Genome position (GRCh38, 1-based): chr10:85,729,560, T>C on the plus strand (A>G on the coding strand, the complement: GRID1 is on the minus strand). VCF-style: chr10-85729560-T-C. GRCh37 (hg19) VCF-style: chr10-87489317-T-C.
Other names: short protein forms M430V.
Identifiers: ClinVar variation 1279125 (VCV001279125.2), dbSNP rs3812645, ClinGen allele CA5582752.